The following is an entry in ClinVar:

ClinVar aggregate classification (germline): Uncertain significance (1 of 4 stars; one submission).

Conditions:
Primary ciliary dyskinesia. Also called: Ciliary dyskinesia. Identifiers: Orphanet 244, MedGen C0008780, MONDO:0016575, HP:0012265.

Allele frequency attached by ClinVar (database versions not stated): gnomAD exomes below 0.00001; TOPMed below 0.00001.
gnomAD v4.1: 3 of 1,614,150 alleles (0.00019%); highest among the groups gnomAD compares: Admixed American, 0.0033%; no homozygotes.

Submission:

Labcorp Genetics (formerly Invitae), Labcorp
Classification: Uncertain significance for Primary ciliary dyskinesia. Last evaluated: 2021-02-13. Review status: criteria provided, single submitter. Criteria: Invitae Variant Classification Sherloc (09022015). Collection method: clinical testing. Allele origin: germline.
Comment: In summary, the available evidence is currently insufficient to determine the role of this variant in disease. Therefore, it has been classified as a Variant of Uncertain Significance. Advanced modeling of protein sequence and biophysical properties (such as structural, functional, and spatial information, amino acid conservation, physicochemical variation, residue mobility, and thermodynamic stability) performed at Invitae indicates that this missense variant is not expected to disrupt DNAH5 protein function. This variant has not been reported in the literature in individuals with DNAH5-related conditions. This variant is not present in population databases (ExAC no frequency). This sequence change replaces methionine with threonine at codon 4109 of the DNAH5 protein (p.Met4109Thr). The methionine residue is weakly conserved and there is a moderate physicochemical difference between methionine and threonine.

NM_001369.3(DNAH5):c.12326T>C (p.Met4109Thr)

Gene: DNAH5 (dynein axonemal heavy chain 5; minus strand). Cytogenetic location: 5p15.2.
Variant type: single nucleotide variant.
Coding change: c.12326T>C on transcript NM_001369.3 (MANE Select); coding-DNA position 12326, T replaced by C.
Protein change: p.Met4109Thr; replaces methionine 4109 with threonine.
Molecular consequence: missense variant.
Genome position (GRCh38, 1-based): chr5:13,719,055, A>G on the plus strand (T>C on the coding strand, the complement: DNAH5 is on the minus strand). VCF-style: chr5-13719055-A-G. GRCh37 (hg19) VCF-style: chr5-13719164-A-G.
Other names: short protein forms M4109T.
Identifiers: ClinVar variation 1410312 (VCV001410312.6), dbSNP rs1744695650, ClinGen allele CA359211330.
Genomic context (GRCh38, chr5:13,719,055, plus strand): 5'-CAGAGGCGGAACGCATCATGTACAAGCTCAGTTTCTATGATTATGTCCATCAGCTCATCC[A>G]TGAAATCAAGTCCCAGATGGCAGTTCTGCAGAAGTGCCCATCCTCCCTGTCAATAGCAGT-3'
Protein context (NP_001360.1, residues 4099-4119): LQNCHLGLDF[Met4109Thr]DELMDIIIET